The following is an entry in ClinVar:

ClinVar aggregate classification (germline): Uncertain significance. Review status: criteria provided, multiple submitters, no conflicts (2 of 4 stars). 2 submissions from 2 submitters: Uncertain significance (2). Last evaluated 2025-08-25.

Submissions (2):

Ambry Genetics
Classification: Uncertain significance. Last evaluated: 2025-08-25. Review status: criteria provided, single submitter. Criteria: Ambry Variant Classification Scheme 2023. Collection method: clinical testing. Allele origin: germline.

Labcorp Genetics (formerly Invitae), Labcorp
Classification: Uncertain significance. Last evaluated: 2024-07-08. Review status: criteria provided, single submitter. Criteria: Invitae Variant Classification Sherloc (09022015). Collection method: clinical testing. Allele origin: germline.
Comment: This sequence change replaces aspartic acid, which is acidic and polar, with asparagine, which is neutral and polar, at codon 98 of the TUBA8 protein (p.Asp98Asn). This variant is present in population databases (no rsID available, gnomAD 0.002%). This variant has not been reported in the literature in individuals affected with TUBA8-related conditions. Advanced modeling of protein sequence and biophysical properties (such as structural, functional, and spatial information, amino acid conservation, physicochemical variation, residue mobility, and thermodynamic stability) performed at Invitae indicates that this missense variant is expected to disrupt TUBA8 protein function with a positive predictive value of 80%. In summary, the available evidence is currently insufficient to determine the role of this variant in disease. Therefore, it has been classified as a Variant of Uncertain Significance.

NM_018943.3(TUBA8):c.292G>A (p.Asp98Asn)

Gene: TUBA8 (tubulin alpha 8; plus strand). Cytogenetic location: 22q11.21.
Variant type: single nucleotide variant.
Coding change: c.292G>A on transcript NM_018943.3 (MANE Select); coding-DNA position 292, G replaced by A.
Protein change: p.Asp98Asn; replaces aspartic acid 98 with asparagine.
Molecular consequence: missense variant.
Genome position (GRCh38, 1-based): chr22:18,124,221, G>A. VCF-style: chr22-18124221-G-A. GRCh37 (hg19) VCF-style: chr22-18606988-G-A.
Other names: c.292G>A (NM_018943.2); c.94G>A, p.Asp32Asn (NM_001193414.2); short protein forms D32N, D98N.
Identifiers: ClinVar variation 3628159 (VCV003628159.3).